The following is an entry in ClinVar:

NM_002769.5(PRSS1):c.460T>C (p.Tyr154His)

Genes: PRSS1 (serine protease 1; plus strand), TRB (T cell receptor beta locus; plus strand). Cytogenetic location: 7q34.
Variant type: single nucleotide variant.
Coding change: c.460T>C on transcript NM_002769.5 (MANE Select); coding-DNA position 460, T replaced by C.
Protein change: p.Tyr154His; replaces tyrosine 154 with histidine.
Molecular consequence: missense variant. On other transcripts: non-coding transcript variant (5).
Genome position (GRCh38, 1-based): chr7:142,752,436, T>C. VCF-style: chr7-142752436-T-C. GRCh37 (hg19) VCF-style: chr7-142460287-T-C.
Other names: short protein forms Y154H.
Identifiers: ClinVar variation 2199015 (VCV002199015.4), dbSNP rs1199917100, ClinGen allele CA369609383.

ClinVar aggregate classification (germline): Uncertain significance (1 of 4 stars; one submission).

Conditions:
Hereditary pancreatitis (PCTT). Also called: Hereditary chronic pancreatitis; PRSS1-Related Hereditary Pancreatitis. Identifiers: Orphanet 676, MedGen C0238339, MONDO:0008185, OMIM 167800.

Allele frequency attached by ClinVar (database versions not stated): gnomAD exomes 0.00001.
gnomAD v4.1: 3 of 1,614,120 alleles (0.00019%); highest among the groups gnomAD compares: East Asian, 0.0022%; no homozygotes.

Submission:

Labcorp Genetics (formerly Invitae), Labcorp
Classification: Uncertain significance for Hereditary pancreatitis. Last evaluated: 2025-02-15. Review status: criteria provided, single submitter. Criteria: Invitae Variant Classification Sherloc (09022015). Collection method: clinical testing. Allele origin: germline.
Comment: This sequence change replaces tyrosine, which is neutral and polar, with histidine, which is basic and polar, at codon 154 of the PRSS1 protein (p.Tyr154His). The frequency data for this variant in the population databases is considered unreliable, as metrics indicate poor data quality at this position in the gnomAD database. This variant has not been reported in the literature in individuals affected with PRSS1-related conditions. ClinVar contains an entry for this variant (Variation ID: 2199015). Invitae Evidence Modeling of protein sequence and biophysical properties (such as structural, functional, and spatial information, amino acid conservation, physicochemical variation, residue mobility, and thermodynamic stability) indicates that this missense variant is not expected to disrupt PRSS1 protein function with a negative predictive value of 80%. In summary, the available evidence is currently insufficient to determine the role of this variant in disease. Therefore, it has been classified as a Variant of Uncertain Significance.